The following is an entry in ClinVar:

ClinVar aggregate classification (germline): Pathogenic (1 of 4 stars; one submission).

Conditions:
Developmental and epileptic encephalopathy. Identifiers: MedGen C5779964, MONDO:0100620.

Submission:

Labcorp Genetics (formerly Invitae), Labcorp
Classification: Pathogenic for Early-infantile DEE. Last evaluated: 2021-03-29. Review status: criteria provided, single submitter. Criteria: Invitae Variant Classification Sherloc (09022015). Collection method: clinical testing. Allele origin: germline.
Comment: For these reasons, this variant has been classified as Pathogenic. A similar copy number variant ‚Äãhas been observed in individual(s) with Dravet syndrome (PMID: 18930999). In at least one individual the variant was observed to be de novo. This variant is a gross deletion of the genomic region encompassing exon(s) 22-26 of the SCN1A gene. The 5' boundary is likely confined to intron 21. The 3' end of this event is unknown as it extends through the termination codon beyond the assayed region for this gene and may encompass additional genes. While this deletion is not anticipated to lead to nonsense mediated decay, it is expected to alter mRNA translation or result in a truncated protein product.

Literature cited by the submitters: PubMed 18930999.

NC_000002.11:g.(?_166731265)_(166856306_?)del

Genes: SCN1A (sodium voltage-gated channel alpha subunit 1; minus strand), TTC21B (tetratricopeptide repeat domain 21B; minus strand). Cytogenetic location: 2q24.3.
Variant type: Deletion.
Identifiers: ClinVar variation 1455372 (VCV001455372.7).